The following is an entry in ClinVar:

NM_000143.4(FH):c.96C>G (p.Ala32=)

Gene: FH (fumarate hydratase; minus strand). Cytogenetic location: 1q43.
Variant type: single nucleotide variant.
Coding change: c.96C>G on transcript NM_000143.4 (MANE Select); coding-DNA position 96, C replaced by G.
Protein change: p.Ala32=; no amino-acid change (alanine 32 retained).
Molecular consequence: synonymous variant.
Genome position (GRCh38, 1-based): chr1:241,519,627, G>C on the plus strand (C>G on the coding strand, the complement: FH is on the minus strand). VCF-style: chr1-241519627-G-C. GRCh37 (hg19) VCF-style: chr1-241682927-G-C.
Identifiers: ClinVar variation 1593124 (VCV001593124.9), dbSNP rs750087000, ClinGen allele CA424076778.

ClinVar aggregate classification (germline): Benign/Likely benign. Review status: criteria provided, multiple submitters, no conflicts (2 of 4 stars). 2 submissions from 2 submitters: Benign (1); Likely benign (1). Last evaluated 2025-01-19.

Conditions:
Hereditary leiomyomatosis and renal cell cancer. Also called: MULTIPLE CUTANEOUS AND UTERINE LEIOMYOMATA 1, WITH OR WITHOUT RENAL CELL CARCINOMA; LEIOMYOMA, MULTIPLE CUTANEOUS; Reed syndrome; Multiple cutaneous and uterine leiomyomatosis; Cutaneous leiomyomata with uterine leiomyomata; Leiomyoma, hereditary multiple, of skin. Identifiers: Orphanet 523, MedGen C1708350, MONDO:0007888, OMIM 150800, HP:0007437. Disease mechanism: loss of function.

Submissions (2):

Labcorp Genetics (formerly Invitae), Labcorp
Classification: Likely benign. Last evaluated: 2025-01-19. Review status: criteria provided, single submitter. Criteria: Invitae Variant Classification Sherloc (09022015). Collection method: clinical testing. Allele origin: germline.

Myriad Genetics, Inc.
Classification: Benign for Hereditary leiomyomatosis and renal cell cancer. Last evaluated: 2024-10-17. Review status: criteria provided, single submitter. Criteria: Myriad Autosomal Dominant, Autosomal Recessive and X-Linked Classification Criteria (2023). Collection method: clinical testing. Allele origin: unknown.
Comment: This variant is considered benign. This variant is a silent/synonymous amino acid change and it is not expected to impact splicing.